The following is an entry in ClinVar:

NM_006329.4(FBLN5):c.125-145_125-144insA

Gene: FBLN5 (fibulin 5; minus strand). Cytogenetic location: 14q32.12.
Variant type: Insertion.
Coding change: c.125-145_125-144insA on transcript NM_006329.4 (MANE Select); 145 bases into the intron before coding-DNA position 125 through 144 bases into the intron before coding-DNA position 125, A inserted.
Molecular consequence: intron variant.
Genome position: GRCh38 VCF-style: chr14-91937345-C-CT. GRCh37 (hg19) VCF-style: chr14-92403689-C-CT.
Other names: c.125-145_125-144insA (NM_001384160.1); c.248-145_248-144insA (NM_001384158.1); c.-44-145_-44-144insA (NM_001384162.1, NM_001384161.1); c.176-145_176-144insA (NM_001384159.1).
Identifiers: ClinVar variation 679835 (VCV000679835.1), dbSNP rs59331216, ClinGen allele CA265607998.

ClinVar aggregate classification (germline): Likely benign (1 of 4 stars; one submission).

Allele frequency attached by ClinVar (database versions not stated): TOPMed 0.00927; gnomAD 0.00956 and 0.01187; gnomAD exomes 0.01301; 1000 Genomes Project 30x 0.03045; 1000 Genomes Project 0.03235.

Submission:

GeneDx
Classification: Likely benign. Last evaluated: 2018-06-14. Review status: criteria provided, single submitter. Criteria: GeneDx Variant Classification (06012015). Collection method: clinical testing. Allele origin: germline. Affected: yes.
Comment: This variant is considered likely benign or benign based on one or more of the following criteria: it is a conservative change, it occurs at a poorly conserved position in the protein, it is predicted to be benign by multiple in silico algorithms, and/or has population frequency not consistent with disease.